The following is an entry in ClinVar:

NM_003119.4(SPG7):c.120G>A (p.Gly40=)

Genes: SPG7 (SPG7 matrix AAA peptidase subunit, paraplegin; plus strand), LOC130059818 (ATAC-STARR-seq lymphoblastoid silent region 7911; plus strand). Cytogenetic location: 16q24.3.
Variant type: single nucleotide variant.
Coding change: c.120G>A on transcript NM_003119.4 (MANE Select); coding-DNA position 120, G replaced by A.
Protein change: p.Gly40=; no amino-acid change (glycine 40 retained).
Molecular consequence: synonymous variant.
Genome position (GRCh38, 1-based): chr16:89,508,537, G>A. VCF-style: chr16-89508537-G-A. GRCh37 (hg19) VCF-style: chr16-89574945-G-A.
Other names: p.G40G:GGG>GGA; p.Gly40=; c.120G>A, p.Gly40= (NM_001363850.1, NM_199367.3).
Identifiers: ClinVar variation 139253 (VCV000139253.64), dbSNP rs187330648, ClinGen allele CA293682.
Genomic context (GRCh38, chr16:89,508,537, plus strand): 5'-GCCGCTGTGGGGCCCAGGCCCGGCCTGGAGTCCAGGGTTCCCCGCCAGGCCCGGGAGGGG[G>A]CGGCCGTACATGGCCAGCAGGCCTCCGGGGGACCTCGCCGAGGCTGGAGGCCGAGCTCTG-3'
Protein context (NP_003110.1, residues 30-50): SPGFPARPGR[Gly40=]RPYMASRPPG

ClinVar aggregate classification (germline): Benign/Likely benign. Review status: criteria provided, multiple submitters, no conflicts (2 of 4 stars). 11 submissions from 11 submitters: Benign (9); Likely benign (1). 1 of the submissions does not count toward it. Last evaluated 2026-09-01.

Conditions:
Hereditary spastic paraplegia. Also called: Familial spastic paraparesis. Identifiers: Orphanet 685, MedGen C0037773, MONDO:0019064. Disease mechanism: loss of function.
Hereditary spastic paraplegia 7 (SPG7). Also called: SPG7-related neurologic disorder; SPASTIC PARAPLEGIA 7, AUTOSOMAL RECESSIVE, WITH OR WITHOUT CEREBELLAR ATAXIA; Spastic paraplegia 7; Hereditary spastic paraplegia Paraplegin type; Autosomal recessive spastic paraplegia type 7. Identifiers: Orphanet 99013, MedGen C1846564, MONDO:0011803, OMIM 607259.

Allele frequency attached by ClinVar (database versions not stated): 1000 Genomes Project 0.00339; 1000 Genomes Project 30x 0.00484; gnomAD 0.00779; ExAC 0.00906; gnomAD exomes 0.00974; TOPMed 0.00990.
gnomAD v4.1: 18,715 of 1,512,498 alleles (1.2%); highest among the groups gnomAD compares: Non-Finnish European, 1.4%; 138 homozygotes.

Submissions (11):

CeGaT Center for Human Genetics Tuebingen
Classification: Benign. Last evaluated: 2026-09-01. Review status: criteria provided, single submitter. Criteria: CeGaT Center For Human Genetics Tuebingen Variant Classification Criteria Version 2. Collection method: clinical testing. Allele origin: germline. Affected: yes. Observed: 76 variant alleles.
Comment: SPG7: BP4, BP7, BS1, BS2

Labcorp Genetics (formerly Invitae), Labcorp
Classification: Benign for Hereditary spastic paraplegia 7. Last evaluated: 2026-02-03. Review status: criteria provided, single submitter. Criteria: Invitae Variant Classification Sherloc (09022015). Collection method: clinical testing. Allele origin: germline.

Athena Diagnostics
Classification: Benign. Last evaluated: 2025-10-31. Review status: criteria provided, single submitter. Criteria: Athena Diagnostics Criteria. Collection method: clinical testing. Allele origin: unknown.
Comment: The frequency of this variant in the general population is higher than would generally be expected for pathogenic variants in this gene. Computational tools yielded predictions that this variant is unlikely to have an effect on normal RNA splicing. This nucleotide position exhibits low evolutionary conservation.

Blueprint Genetics
Classification: Likely benign. Last evaluated: 2024-11-26. Review status: criteria provided, single submitter. Criteria: ACMG Guidelines, 2015. Collection method: clinical testing. Allele origin: germline.

ARUP Laboratories, Molecular Genetics and Genomics, ARUP Laboratories
Classification: Benign for Hereditary spastic paraplegia 7. Last evaluated: 2023-11-08. Review status: criteria provided, single submitter. Criteria: ARUP Molecular Germline Variant Investigation Process 2024. Collection method: clinical testing. Allele origin: germline.

Mayo Clinic Laboratories, Mayo Clinic
Classification: Benign. Last evaluated: 2023-01-27. Review status: criteria provided, single submitter. Criteria: ACMG Guidelines, 2015. Collection method: clinical testing. Allele origin: germline. Observed: 68 variant alleles.
Comment: BS1, BS2, BP4, BP7

Genome Diagnostics Laboratory, The Hospital for Sick Children
Classification: Benign for Hereditary spastic paraplegia. Last evaluated: 2021-10-30. Review status: criteria provided, single submitter. Criteria: ACMG Guidelines, 2015. Collection method: clinical testing. Allele origin: germline. Affected: yes.

PreventionGenetics, part of Exact Sciences
Classification: Benign. Last evaluated: 2016-02-16. Review status: criteria provided, single submitter. Criteria: ACMG Guidelines, 2015. Collection method: clinical testing. Allele origin: germline.

Eurofins Ntd Llc (ga)
Classification: Benign. Last evaluated: 2015-06-25. Review status: criteria provided, single submitter. Criteria: EGL Classification Definitions 2015. Collection method: clinical testing. Allele origin: germline. Observed: 1 variant allele, 1 heterozygote.

GeneDx
Classification: Benign. Last evaluated: 2013-12-27. Review status: criteria provided, single submitter. Criteria: GeneDx Variant Classification (06012015). Collection method: clinical testing. Allele origin: germline. Affected: yes.
Comment: This variant is considered likely benign or benign based on one or more of the following criteria: it is a conservative change, it occurs at a poorly conserved position in the protein, it is predicted to be benign by multiple in silico algorithms, and/or has population frequency not consistent with disease.

PROSPAX: an integrated multimodal progression  chart in spastic ataxias, Center for Neurology; Hertie-Institute for Clinical Brain Research
Classification: Likely pathogenic for Hereditary spastic paraplegia 7. Last evaluated: 2022-01-01. Review status: flagged submission. Criteria: ACMG Guidelines, 2015. Collection method: research. Allele origin: germline. Affected: yes. Not counted in ClinVar's aggregate classification.
ClinVar note: Reason: Outlier claim with insufficient supporting evidence

Literature cited by the submitters: PubMed 18200586 (cited by Athena Diagnostics); PubMed 14985266 (cited by Athena Diagnostics); PubMed 16534102 (cited by Athena Diagnostics).